The following is an entry in ClinVar:

NM_001010892.3(RSPH4A):c.1082G>A (p.Gly361Asp)

Gene: RSPH4A (radial spoke head component 4A; plus strand). Cytogenetic location: 6q22.1.
Variant type: single nucleotide variant.
Coding change: c.1082G>A on transcript NM_001010892.3 (MANE Select); coding-DNA position 1082, G replaced by A.
Protein change: p.Gly361Asp; replaces glycine 361 with aspartic acid.
Molecular consequence: missense variant.
Genome position (GRCh38, 1-based): chr6:116,627,789, G>A. VCF-style: chr6-116627789-G-A. GRCh37 (hg19) VCF-style: chr6-116948952-G-A.
Other names: c.1082G>A, p.Gly361Asp (NM_001161664.2); short protein forms G361D.
Identifiers: ClinVar variation 2986025 (VCV002986025.4), dbSNP rs757303224, ClinGen allele CA3970893.

ClinVar aggregate classification (germline): Conflicting classifications of pathogenicity. Review status: criteria provided, conflicting classifications (1 of 4 stars). 2 submissions from 2 submitters: Likely pathogenic (1); Uncertain significance (1). Last evaluated 2023-02-25.

Conditions:
Primary ciliary dyskinesia. Also called: Ciliary dyskinesia. Identifiers: Orphanet 244, MedGen C0008780, MONDO:0016575, HP:0012265.

gnomAD v4.1: 1 of 1,614,126 alleles (0.000062%); highest among the groups gnomAD compares: Admixed American, 0.0017%; no homozygotes.

Submissions (2):

Labcorp Genetics (formerly Invitae), Labcorp
Classification: Likely pathogenic for Primary ciliary dyskinesia. Last evaluated: 2023-02-25. Review status: criteria provided, single submitter. Criteria: Invitae Variant Classification Sherloc (09022015). Collection method: clinical testing. Allele origin: germline.
Comment: In summary, the currently available evidence indicates that the variant is pathogenic, but additional data are needed to prove that conclusively. Therefore, this variant has been classified as Likely Pathogenic. This variant disrupts the p.Gly361 amino acid residue in RSPH4A. Other variant(s) that disrupt this residue have been determined to be pathogenic (Invitae). This suggests that this residue is clinically significant, and that variants that disrupt this residue are likely to be disease-causing. Advanced modeling of protein sequence and biophysical properties (such as structural, functional, and spatial information, amino acid conservation, physicochemical variation, residue mobility, and thermodynamic stability) performed at Invitae indicates that this missense variant is expected to disrupt RSPH4A protein function. This variant is present in population databases (rs757303224, gnomAD 0.003%). This sequence change replaces glycine, which is neutral and non-polar, with aspartic acid, which is acidic and polar, at codon 361 of the RSPH4A protein (p.Gly361Asp). This missense change has been observed in individual(s) with clinical features of primary ciliary dyskinesia (Invitae). In at least one individual the data is consistent with being in trans (on the opposite chromosome) from a pathogenic variant.

Blueprint Genetics
Classification: Uncertain significance. Last evaluated: 2022-06-03. Review status: criteria provided, single submitter. Criteria: ACMG Guidelines, 2015. Collection method: clinical testing. Allele origin: germline.